The following is an entry in ClinVar:

NM_020754.4(ARHGAP31):c.1952T>A (p.Leu651Gln)

Gene: ARHGAP31 (Rho GTPase activating protein 31; plus strand). Cytogenetic location: 3q13.33.
Variant type: single nucleotide variant.
Coding change: c.1952T>A on transcript NM_020754.4 (MANE Select); coding-DNA position 1952, T replaced by A.
Protein change: p.Leu651Gln; replaces leucine 651 with glutamine.
Molecular consequence: missense variant.
Genome position (GRCh38, 1-based): chr3:119,413,881, T>A. VCF-style: chr3-119413881-T-A. GRCh37 (hg19) VCF-style: chr3-119132728-T-A.
Other names: short protein forms L651Q.
Identifiers: ClinVar variation 2797068 (VCV002797068.3), dbSNP rs2080741398, ClinGen allele CA354047872.

ClinVar aggregate classification (germline): Uncertain significance (1 of 4 stars; one submission).

Allele frequency attached by ClinVar (database versions not stated): TOPMed below 0.00001; gnomAD 0.00001.
gnomAD v4.1: 1 of 1,614,102 alleles (0.000062%); highest among the groups gnomAD compares: Non-Finnish European, 0.000085%; no homozygotes.

Submission:

Labcorp Genetics (formerly Invitae), Labcorp
Classification: Uncertain significance. Last evaluated: 2025-06-02. Review status: criteria provided, single submitter. Criteria: Invitae Variant Classification Sherloc (09022015). Collection method: clinical testing. Allele origin: germline.
Comment: This sequence change replaces leucine, which is neutral and non-polar, with glutamine, which is neutral and polar, at codon 651 of the ARHGAP31 protein (p.Leu651Gln). This variant is not present in population databases (gnomAD no frequency). This variant has not been reported in the literature in individuals affected with ARHGAP31-related conditions. ClinVar contains an entry for this variant (Variation ID: 2797068). An algorithm developed to predict the effect of missense changes on protein structure and function (PolyPhen-2) suggests that this variant is likely to be disruptive. In summary, the available evidence is currently insufficient to determine the role of this variant in disease. Therefore, it has been classified as a Variant of Uncertain Significance.